The following is an entry in ClinVar:

ClinVar aggregate classification (germline): Benign. Review status: criteria provided, multiple submitters, no conflicts (2 of 4 stars). 11 submissions from 11 submitters: Benign (7). 4 of the submissions do not count toward it. Last evaluated 2026-02-04.

Conditions:
Sanfilippo syndrome. Also called: Sanfilippo disease; Mucopolysaccharidosis type 3; Mucopolysaccharidosis Type III. Identifiers: Orphanet 581, MedGen C0026706, MONDO:0018937.
Mucopolysaccharidosis, MPS-III-D (MPS3D). Also called: MPS III D; Mucopoly-saccharidosis type 3D; N-acetylglucosamine-6-sulfate sulfatase deficiency; MPS 3D; MUCOPOLYSACCHARIDOSIS, TYPE IIID; MPS IIID (Sanfilippo Syndrome Type D). Identifiers: Orphanet 581, Orphanet 79272, MedGen C0086650, MONDO:0009658, OMIM 252940.

Allele frequency attached by ClinVar (database versions not stated): ExAC 0.08839; 1000 Genomes Project 30x 0.03982; gnomAD exomes 0.09245; gnomAD 0.08873 and 0.09139; ESP Exome Variant Server 0.09803; 1000 Genomes Project 0.03894; TOPMed 0.08264.
gnomAD v4.1: 181,564 of 1,608,308 alleles (11%); highest among the groups gnomAD compares: Non-Finnish European, 13%; 11,810 homozygotes.

Submissions (11):

Labcorp Genetics (formerly Invitae), Labcorp
Classification: Benign for Mucopolysaccharidosis, MPS-III-D. Last evaluated: 2026-02-04. Review status: criteria provided, single submitter. Criteria: Invitae Variant Classification Sherloc (09022015). Collection method: clinical testing. Allele origin: germline.

Pars Genome Lab
Classification: Benign for Mucopolysaccharidosis, MPS-III-D. Last evaluated: 2021-07-01. Review status: criteria provided, single submitter. Criteria: ACMG Guidelines, 2015. Collection method: clinical testing. Allele origin: germline. Affected: no.

Illumina Laboratory Services, Illumina
Classification: Benign for Mucopolysaccharidosis, MPS-III-D. Last evaluated: 2018-01-13. Review status: criteria provided, single submitter. Criteria: ICSL Variant Classification Criteria 13 December 2019. Collection method: clinical testing. Allele origin: germline.
Comment: This variant was observed in the ICSL laboratory as part of a predisposition screen in an ostensibly healthy population. It had not been previously curated by ICSL or reported in the Human Gene Mutation Database (HGMD: prior to June 1st, 2018), and was therefore a candidate for classification through an automated scoring system. Utilizing variant allele frequency, disease prevalence and penetrance estimates, and inheritance mode, an automated score was calculated to assess if this variant is too frequent to cause the disease. Based on the score and internal cut-off values, a variant classified as benign is not then subjected to further curation. The score for this variant resulted in a classification of benign for this disease.

GeneDx
Classification: Benign. Last evaluated: 2017-02-09. Review status: criteria provided, single submitter. Criteria: GeneDx Variant Classification (06012015). Collection method: clinical testing. Allele origin: germline. Affected: yes.
Comment: This variant is considered likely benign or benign based on one or more of the following criteria: it is a conservative change, it occurs at a poorly conserved position in the protein, it is predicted to be benign by multiple in silico algorithms, and/or has population frequency not consistent with disease.

Eurofins Ntd Llc (ga)
Classification: Benign. Last evaluated: 2014-06-03. Review status: criteria provided, single submitter. Criteria: EGL Classification Definitions 2015. Collection method: clinical testing. Allele origin: germline. Observed: 7 variant alleles, 7 heterozygotes.

Breakthrough Genomics
Classification: Benign. Review status: criteria provided, single submitter. Criteria: ACMG Guidelines, 2015. Collection method: not provided. Allele origin: germline. Inheritance: Autosomal recessive inheritance. Affected: yes.

PreventionGenetics, part of Exact Sciences
Classification: Benign. Review status: criteria provided, single submitter. Criteria: ACMG Guidelines, 2015. Collection method: clinical testing. Allele origin: germline.

Natera, Inc.
Classification: Benign for Sanfilippo disease. Last evaluated: 2020-09-16. Review status: no assertion criteria provided. Collection method: clinical testing. Allele origin: germline. Not counted in ClinVar's aggregate classification.

Mayo Clinic Laboratories, Mayo Clinic
Classification: Benign. Last evaluated: 2015-10-23. Review status: no assertion criteria provided. Collection method: clinical testing. Allele origin: unknown. Not counted in ClinVar's aggregate classification.

Clinical Genetics, Academic Medical Center
Classification: Benign. Review status: no assertion criteria provided. Collection method: clinical testing. Allele origin: germline. Affected: yes. Study: VKGL Data-share Consensus. Not counted in ClinVar's aggregate classification.

Diagnostic Laboratory, Department of Genetics, University Medical Center Groningen
Classification: Benign for Mucopolysaccharidosis, MPS-III-D. Review status: no assertion criteria provided. Collection method: clinical testing. Allele origin: germline. Affected: yes. Study: VKGL Data-share Consensus. Not counted in ClinVar's aggregate classification.

NM_002076.4(GNS):c.363G>A (p.Lys121=)

Gene: GNS (glucosamine (N-acetyl)-6-sulfatase; minus strand). Cytogenetic location: 12q14.3.
Variant type: single nucleotide variant.
Coding change: c.363G>A on transcript NM_002076.4 (MANE Select); coding-DNA position 363, G replaced by A.
Protein change: p.Lys121=; no amino-acid change (lysine 121 retained).
Molecular consequence: synonymous variant.
Genome position (GRCh38, 1-based): chr12:64,747,808, C>T on the plus strand (G>A on the coding strand, the complement: GNS is on the minus strand). VCF-style: chr12-64747808-C-T. GRCh37 (hg19) VCF-style: chr12-65141588-C-T.
Identifiers: ClinVar variation 94030 (VCV000094030.24), dbSNP rs2230291, ClinGen allele CA147551.
Genomic context (GRCh38, chr12:64,747,808, plus strand): 5'-ACCACACATTGATCTGAGAATTGCTGGGAAAGTATTTGGTTCTTGGATCTTCTGCCAGGA[C>T]TTACTACTGCAGTTCCCCTCCAGAGTGTTGTTCACAACGTGATGATTATGTGGGTACTTT-3'
Protein context (NP_002067.1, residues 111-131): NNTLEGNCSS[Lys121=]SWQKIQEPNT